The following is an entry in ClinVar:

NM_000045.4(ARG1):c.892del (p.Ala298fs)

Genes: ARG1 (arginase 1; plus strand), MED23 (mediator complex subunit 23; minus strand). Cytogenetic location: 6q23.2.
Variant type: Deletion.
Coding change: c.892del on transcript NM_000045.4 (MANE Select); coding-DNA position 892, one base deleted (G; older notation c.892delG).
Protein change: p.Ala298fs; shifts the reading frame from alanine 298.
Molecular consequence: frameshift variant. On other transcripts: non-coding transcript variant (1), intron variant (2).
Genome position (GRCh38, 1-based): chr6:131,583,831, G deleted. VCF-style (leftmost placement, unchanged base first): chr6-131583830-TG-T. GRCh37 (hg19) VCF-style: chr6-131904970-TG-T.
Other names: c.916del, p.Ala306fs (NM_001244438.2); c.637del, p.Ala213fs (NM_001369020.1); c.4077+3878del (NM_001270521.2); c.4095+3878del (NM_015979.4); short protein forms A213fs, A298fs, A306fs.
Identifiers: ClinVar variation 3644416 (VCV003644416.2).

ClinVar aggregate classification (germline): Pathogenic (1 of 4 stars; one submission).

Conditions:
Arginase deficiency. Also called: Arginase 1 Deficiency; ARGININEMIA; ARG1 DEFICIENCY. Identifiers: Orphanet 90, MedGen C0268548, MONDO:0008814, OMIM 207800.

Submission:

Labcorp Genetics (formerly Invitae), Labcorp
Classification: Pathogenic for Arginase deficiency. Last evaluated: 2024-03-13. Review status: criteria provided, single submitter. Criteria: Invitae Variant Classification Sherloc (09022015). Collection method: clinical testing. Allele origin: germline.
Comment: This sequence change creates a premature translational stop signal (p.Ala298Glnfs*2) in the ARG1 gene. While this is not anticipated to result in nonsense mediated decay, it is expected to disrupt the last 25 amino acid(s) of the ARG1 protein. This variant is not present in population databases (gnomAD no frequency). This variant has not been reported in the literature in individuals affected with ARG1-related conditions. This variant disrupts a region of the ARG1 protein in which other variant(s) (p.Arg308Gln) have been determined to be pathogenic (PMID: 22959135). This suggests that this is a clinically significant region of the protein, and that variants that disrupt it are likely to be disease-causing. For these reasons, this variant has been classified as Pathogenic.

Literature cited by the submitters: PubMed 22959135.